The following is an entry in ClinVar:

NM_016824.5(ADD3):c.500A>G (p.Lys167Arg)

Gene: ADD3 (adducin 3; plus strand). Cytogenetic location: 10q25.2.
Variant type: single nucleotide variant.
Coding change: c.500A>G on transcript NM_016824.5 (MANE Select); coding-DNA position 500, A replaced by G.
Protein change: p.Lys167Arg; replaces lysine 167 with arginine.
Molecular consequence: missense variant.
Genome position (GRCh38, 1-based): chr10:110,117,355, A>G. VCF-style: chr10-110117355-A-G. GRCh37 (hg19) VCF-style: chr10-111877113-A-G.
Other names: c.500A>G, p.Lys167Arg (NM_001121.4, NM_001320591.2, NM_001320592.2 and 2 more transcripts); c.266A>G, p.Lys89Arg (NM_001320594.2); short protein forms K167R, K89R.
Identifiers: ClinVar variation 1381813 (VCV001381813.6), dbSNP rs1850867999, ClinGen allele CA378366746.

ClinVar aggregate classification (germline): Uncertain significance (1 of 4 stars; one submission).

Allele frequency attached by ClinVar (database versions not stated): gnomAD exomes below 0.00001; TOPMed 0.00001.
gnomAD v4.1: 1 of 1,595,164 alleles (0.000063%); highest among the groups gnomAD compares: Non-Finnish European, 0.000086%; no homozygotes.

Submission:

Labcorp Genetics (formerly Invitae), Labcorp
Classification: Uncertain significance. Last evaluated: 2024-10-24. Review status: criteria provided, single submitter. Criteria: Invitae Variant Classification Sherloc (09022015). Collection method: clinical testing. Allele origin: germline.
Comment: This sequence change replaces lysine, which is basic and polar, with arginine, which is basic and polar, at codon 167 of the ADD3 protein (p.Lys167Arg). This variant is not present in population databases (gnomAD no frequency). This variant has not been reported in the literature in individuals affected with ADD3-related conditions. ClinVar contains an entry for this variant (Variation ID: 1381813). Invitae Evidence Modeling of protein sequence and biophysical properties (such as structural, functional, and spatial information, amino acid conservation, physicochemical variation, residue mobility, and thermodynamic stability) indicates that this missense variant is not expected to disrupt ADD3 protein function with a negative predictive value of 80%. Algorithms developed to predict the effect of sequence changes on RNA splicing suggest that this variant may disrupt the consensus splice site. In summary, the available evidence is currently insufficient to determine the role of this variant in disease. Therefore, it has been classified as a Variant of Uncertain Significance.